The following is an entry in ClinVar:

NM_172250.3(MMAA):c.347A>G (p.Lys116Arg)

Gene: MMAA (metabolism of cobalamin associated A; plus strand). Cytogenetic location: 4q31.21.
Variant type: single nucleotide variant.
Coding change: c.347A>G on transcript NM_172250.3 (MANE Select); coding-DNA position 347, A replaced by G.
Protein change: p.Lys116Arg; replaces lysine 116 with arginine.
Molecular consequence: missense variant.
Genome position (GRCh38, 1-based): chr4:145,639,486, A>G. VCF-style: chr4-145639486-A-G. GRCh37 (hg19) VCF-style: chr4-146560638-A-G.
Other names: c.347A>G (NM_172250.2); c.347A>G, p.Lys116Arg (NM_001375644.1); short protein forms K116R.
Identifiers: ClinVar variation 1034449 (VCV001034449.8), dbSNP rs772082690, ClinGen allele CA3095157.

ClinVar aggregate classification (germline): Uncertain significance. Review status: criteria provided, multiple submitters, no conflicts (2 of 4 stars). 3 submissions from 3 submitters: Uncertain significance (2). 1 of the submissions does not count toward it. Last evaluated 2025-07-02.

Conditions:
Inborn genetic diseases. Identifiers: MedGen C0950123, MeSH D030342.
Methylmalonic aciduria, cblA type (MACA). Also called: Vitamin B12-responsive methylmalonic acidemia type cblA; Methylmalonic aciduria, vitamin B12-responsive; Methylmalonic aciduria, vitamin b12-responsive, due to defect in synthesis of adenosylcobalamin, cbla complementation type; MMA cbl A type; Methylmalonic acidemia cblA type. Identifiers: Orphanet 28, Orphanet 79310, MedGen C1855109, MONDO:0009613, OMIM 251100.

Allele frequency attached by ClinVar (database versions not stated): TOPMed below 0.00001; ExAC 0.00002; gnomAD exomes 0.00002.
gnomAD v4.1: 31 of 1,614,194 alleles (0.0019%); highest among the groups gnomAD compares: South Asian, 0.029%; no homozygotes.

Submissions (3):

Ambry Genetics
Classification: Uncertain significance for Inborn genetic diseases. Last evaluated: 2025-07-02. Review status: criteria provided, single submitter. Criteria: Ambry Variant Classification Scheme 2023. Collection method: clinical testing. Allele origin: germline.

Labcorp Genetics (formerly Invitae), Labcorp
Classification: Uncertain significance for Methylmalonic aciduria, cblA type. Last evaluated: 2021-09-01. Review status: criteria provided, single submitter. Criteria: Invitae Variant Classification Sherloc (09022015). Collection method: clinical testing. Allele origin: germline.
Comment: This sequence change replaces lysine with arginine at codon 116 of the MMAA protein (p.Lys116Arg). The lysine residue is moderately conserved and there is a small physicochemical difference between lysine and arginine. This variant is present in population databases (rs772082690, ExAC 0.01%). This variant has not been reported in the literature in individuals affected with MMAA-related conditions. Advanced modeling of protein sequence and biophysical properties (such as structural, functional, and spatial information, amino acid conservation, physicochemical variation, residue mobility, and thermodynamic stability) performed at Invitae indicates that this missense variant is not expected to disrupt MMAA protein function. In summary, the available evidence is currently insufficient to determine the role of this variant in disease. Therefore, it has been classified as a Variant of Uncertain Significance.

Natera, Inc.
Classification: Uncertain significance for Methylmalonic aciduria cblA type. Last evaluated: 2020-12-17. Review status: no assertion criteria provided. Collection method: clinical testing. Allele origin: germline. Not counted in ClinVar's aggregate classification.